The following is an entry in ClinVar:

ClinVar aggregate classification (germline): Uncertain significance (1 of 4 stars; one submission).

Conditions:
GNAS-related disorder. Identifiers: MedGen CN380105.

Submission:

PreventionGenetics, part of Exact Sciences
Classification: Uncertain significance for GNAS-related condition. Last evaluated: 2025-04-18. Review status: criteria provided, single submitter. Criteria: ACMG Guidelines, 2015. Collection method: clinical testing. Allele origin: germline.
Comment: The GNAS c.1141G>A variant is predicted to result in the amino acid substitution p.Asp381Asn. To our knowledge, this variant has not been reported in the literature or in a large population database (gnomAD), indicating this variant is rare. At this time, the clinical significance of this variant is uncertain due to the absence of conclusive functional and genetic evidence.

NM_000516.7(GNAS):c.1141G>A (p.Asp381Asn)

Gene: GNAS (GNAS complex locus; plus strand). Cytogenetic location: 20q13.32.
Variant type: single nucleotide variant.
Coding change: c.1141G>A on transcript NM_000516.7 (MANE Select); coding-DNA position 1141, G replaced by A.
Protein change: p.Asp381Asn; replaces aspartic acid 381 with asparagine.
Molecular consequence: missense variant. On other transcripts: 3 prime UTR variant (2).
Genome position (GRCh38, 1-based): chr20:58,910,785, G>A. VCF-style: chr20-58910785-G-A. GRCh37 (hg19) VCF-style: chr20-57485840-G-A.
Other names: c.1144G>A, p.Asp382Asn (NM_001077488.5); c.1096G>A, p.Asp366Asn (NM_001077489.4); c.*1002G>A (NM_001077490.3); c.964G>A, p.Asp322Asn (NM_001309840.2, NM_001309861.2, NM_001438276.1 and 1 more transcripts); c.1045G>A, p.Asp349Asn (NM_001410912.1); c.3025G>A, p.Asp1009Asn (NM_001410913.1); c.919G>A, p.Asp307Asn (NM_001438273.1, NM_001438274.1, NM_001438275.1); c.*1047G>A (NM_016592.5); and 2 more; short protein forms D322N, D367N, D1024N, D307N, D349N, D366N, D381N, D382N.
Identifiers: ClinVar variation 4998035 (VCV004998035.1).